The following is an entry in ClinVar:

ClinVar aggregate classification (germline): Uncertain significance. Review status: criteria provided, multiple submitters, no conflicts (2 of 4 stars). 7 submissions from 6 submitters: Uncertain significance (7). Last evaluated 2026-05-11.

Conditions:
Fibrochondrogenesis 1 (FBCG1). Identifiers: Orphanet 2021, MedGen C3278138, MONDO:0009226, OMIM 228520.
Stickler syndrome type 2 (STL2). Also called: STICKLER SYNDROME, TYPE II; STICKLER SYNDROME, BEADED VITREOUS TYPE; STICKLER SYNDROME, VITREOUS TYPE 2; COL11A1-Related Stickler Syndrome. Identifiers: Orphanet 828, Orphanet 90654, MedGen C1858084, MONDO:0011493, OMIM 604841.
COL11A1-related disorder. Also called: COL11A1-related condition; COL11A1-related disorders.

Allele frequency attached by ClinVar (database versions not stated): gnomAD 0.00001; gnomAD exomes 0.00002 and 0.00005; TOPMed 0.00003; ExAC 0.00005.

Submissions (7):

PreventionGenetics, part of Exact Sciences
Classification: Uncertain significance for COL11A1-related condition. Last evaluated: 2026-05-11. Review status: criteria provided, single submitter. Criteria: ACMG Guidelines, 2015. Collection method: clinical testing. Allele origin: germline.
Comment: The COL11A1 c.3923C>T variant is predicted to result in the amino acid substitution p.Pro1308Leu. To our knowledge, this variant has not been reported in the literature. This variant is reported in 0.026% of alleles in individuals of Latino descent in gnomAD. At this time, the clinical significance of this variant is uncertain due to the absence of conclusive functional and genetic evidence.

Labcorp Genetics (formerly Invitae), Labcorp
Classification: Uncertain significance. Last evaluated: 2025-10-22. Review status: criteria provided, single submitter. Criteria: Invitae Variant Classification Sherloc (09022015). Collection method: clinical testing. Allele origin: germline.
Comment: This sequence change replaces proline, which is neutral and non-polar, with leucine, which is neutral and non-polar, at codon 1308 of the COL11A1 protein (p.Pro1308Leu). This variant is present in population databases (rs769308801, gnomAD 0.03%). This variant has not been reported in the literature in individuals affected with COL11A1-related conditions. ClinVar contains an entry for this variant (Variation ID: 804698). Experimental studies and prediction algorithms are not available or were not evaluated, and the functional significance of this variant is currently unknown. In summary, the available evidence is currently insufficient to determine the role of this variant in disease. Therefore, it has been classified as a Variant of Uncertain Significance.

GeneDx
Classification: Uncertain significance. Last evaluated: 2024-07-09. Review status: criteria provided, single submitter. Criteria: GeneDx Variant Classification Process June 2021. Collection method: clinical testing. Allele origin: germline. Affected: yes.
Comment: In silico analysis supports that this missense variant has a deleterious effect on protein structure/function; Has not been previously published as pathogenic or benign to our knowledge

Revvity Omics, Revvity
Classification: Uncertain significance. Last evaluated: 2023-05-24. Review status: criteria provided, single submitter. Criteria: ACMG Guidelines, 2015. Collection method: clinical testing. Allele origin: germline.

Athena Diagnostics
Classification: Uncertain significance. Last evaluated: 2019-12-10. Review status: criteria provided, single submitter. Criteria: Athena Diagnostics Criteria. Collection method: clinical testing. Allele origin: unknown.

Illumina Laboratory Services, Illumina
Classification: Uncertain significance for Fibrochondrogenesis 1. Last evaluated: 2018-01-12. Review status: criteria provided, single submitter. Criteria: ICSL Variant Classification Criteria 13 December 2019. Collection method: clinical testing. Allele origin: germline.

Illumina Laboratory Services, Illumina
Classification: Uncertain significance for Stickler syndrome type 2. Last evaluated: 2018-01-12. Review status: criteria provided, single submitter. Criteria: ICSL Variant Classification Criteria 13 December 2019. Collection method: clinical testing. Allele origin: germline.

NM_001854.4(COL11A1):c.3923C>T (p.Pro1308Leu)

Gene: COL11A1 (collagen type XI alpha 1 chain; minus strand). Cytogenetic location: 1p21.1.
Variant type: single nucleotide variant.
Coding change: c.3923C>T on transcript NM_001854.4 (MANE Select); coding-DNA position 3923, C replaced by T.
Protein change: p.Pro1308Leu; replaces proline 1308 with leucine.
Molecular consequence: missense variant. On other transcripts: non-coding transcript variant (1).
Genome position (GRCh38, 1-based): chr1:102,914,705, G>A on the plus strand (C>T on the coding strand, the complement: COL11A1 is on the minus strand). VCF-style: chr1-102914705-G-A. GRCh37 (hg19) VCF-style: chr1-103380261-G-A.
Other names: c.3806C>T, p.Pro1269Leu (NM_001190709.2); c.3959C>T, p.Pro1320Leu (NM_080629.3); c.3575C>T, p.Pro1192Leu (NM_080630.4); short protein forms P1269L, P1308L, P1192L, P1320L.
Identifiers: ClinVar variation 804698 (VCV000804698.17), dbSNP rs769308801, ClinGen allele CA973782.